The following is an entry in ClinVar:

ClinVar aggregate classification (germline): Uncertain significance (1 of 4 stars; one submission).

Allele frequency attached by ClinVar (database versions not stated): gnomAD exomes below 0.00001.
gnomAD v4.1: 1 of 1,614,212 alleles (0.000062%); highest among the groups gnomAD compares: Admixed American, 0.0017%; no homozygotes.

Submission:

Labcorp Genetics (formerly Invitae), Labcorp
Classification: Uncertain significance. Last evaluated: 2024-10-25. Review status: criteria provided, single submitter. Criteria: Invitae Variant Classification Sherloc (09022015). Collection method: clinical testing. Allele origin: germline.
Comment: This sequence change replaces glutamic acid, which is acidic and polar, with valine, which is neutral and non-polar, at codon 267 of the VPS33B protein (p.Glu267Val). This variant is present in population databases (no rsID available, gnomAD 0.003%). This variant has not been reported in the literature in individuals affected with VPS33B-related conditions. ClinVar contains an entry for this variant (Variation ID: 2013000). Invitae Evidence Modeling of protein sequence and biophysical properties (such as structural, functional, and spatial information, amino acid conservation, physicochemical variation, residue mobility, and thermodynamic stability) indicates that this missense variant is not expected to disrupt VPS33B protein function with a negative predictive value of 80%. In summary, the available evidence is currently insufficient to determine the role of this variant in disease. Therefore, it has been classified as a Variant of Uncertain Significance.

NM_018668.5(VPS33B):c.800A>T (p.Glu267Val)

Gene: VPS33B (VPS33B late endosome and lysosome associated; minus strand). Cytogenetic location: 15q26.1.
Variant type: single nucleotide variant.
Coding change: c.800A>T on transcript NM_018668.5 (MANE Select); coding-DNA position 800, A replaced by T.
Protein change: p.Glu267Val; replaces glutamic acid 267 with valine.
Molecular consequence: missense variant.
Genome position (GRCh38, 1-based): chr15:91,006,424, T>A on the plus strand (A>T on the coding strand, the complement: VPS33B is on the minus strand). VCF-style: chr15-91006424-T-A. GRCh37 (hg19) VCF-style: chr15-91549654-T-A.
Other names: c.719A>T, p.Glu240Val (NM_001289148.1); c.527A>T, p.Glu176Val (NM_001289149.1); short protein forms E240V, E267V, E176V.
Identifiers: ClinVar variation 2013000 (VCV002013000.4), dbSNP rs1236063226, ClinGen allele CA393854054.